The following is an entry in ClinVar:

NM_004006.3(DMD):c.2252G>T (p.Arg751Leu)

Gene: DMD (dystrophin; minus strand). Cytogenetic location: Xp21.1.
Variant type: single nucleotide variant.
Coding change: c.2252G>T on transcript NM_004006.3 (MANE Select); coding-DNA position 2252, G replaced by T.
Protein change: p.Arg751Leu; replaces arginine 751 with leucine.
Molecular consequence: missense variant.
Genome position (GRCh38, 1-based): chrX:32,518,048, C>A on the plus strand (G>T on the coding strand, the complement: DMD is on the minus strand). VCF-style: chrX-32518048-C-A. GRCh37 (hg19) VCF-style: chrX-32536165-C-A.
Other names: c.2228G>T, p.Arg743Leu (NM_000109.4); c.2240G>T, p.Arg747Leu (NM_004009.3); c.1883G>T, p.Arg628Leu (NM_004010.3); short protein forms R628L, R747L, R751L, R743L.
Identifiers: ClinVar variation 2735028 (VCV002735028.3), dbSNP rs747802164, ClinGen allele CA412663824.

ClinVar aggregate classification (germline): Uncertain significance (1 of 4 stars; one submission).

Conditions:
Duchenne muscular dystrophy (DMD). Also called: MUSCULAR DYSTROPHY, PSEUDOHYPERTROPHIC PROGRESSIVE, DUCHENNE TYPE; Duchenne Muscular Dystrophy (DMD). Identifiers: Orphanet 98896, MedGen C0013264, MONDO:0010679, OMIM 310200.

Submission:

Labcorp Genetics (formerly Invitae), Labcorp
Classification: Uncertain significance for Duchenne muscular dystrophy. Last evaluated: 2023-02-21. Review status: criteria provided, single submitter. Criteria: Invitae Variant Classification Sherloc (09022015). Collection method: clinical testing. Allele origin: germline.
Comment: This sequence change replaces arginine, which is basic and polar, with leucine, which is neutral and non-polar, at codon 751 of the DMD protein (p.Arg751Leu). This variant is not present in population databases (gnomAD no frequency). This variant has not been reported in the literature in individuals affected with DMD-related conditions. Advanced modeling of protein sequence and biophysical properties (such as structural, functional, and spatial information, amino acid conservation, physicochemical variation, residue mobility, and thermodynamic stability) performed at Invitae indicates that this missense variant is not expected to disrupt DMD protein function. In summary, the available evidence is currently insufficient to determine the role of this variant in disease. Therefore, it has been classified as a Variant of Uncertain Significance.